The following is an entry in ClinVar:

ClinVar aggregate classification (germline): Benign. Review status: criteria provided, multiple submitters, no conflicts (2 of 4 stars). 5 submissions from 5 submitters: Benign (4). 1 of the submissions does not count toward it. Last evaluated 2026-01-21.

Conditions:
SYNE2-related disorder. Also called: SYNE2-related condition.
Emery-Dreifuss muscular dystrophy 5, autosomal dominant (EDMD5). Also called: EMERY-DREIFUSS MUSCULAR DYSTROPHY 5. Identifiers: Orphanet 261, MedGen C2751805, MONDO:0013072, OMIM 612999.

Allele frequency attached by ClinVar (database versions not stated): ExAC 0.00385; ESP Exome Variant Server 0.01205; gnomAD 0.01208 and 0.01281; TOPMed 0.01254; 1000 Genomes Project 0.01558; 1000 Genomes Project 30x 0.01608.
gnomAD v4.1: 3,586 of 1,614,090 alleles (0.22%); highest among the groups gnomAD compares: African/African-American, 4.1%; 76 homozygotes.

Submissions (5):

Labcorp Genetics (formerly Invitae), Labcorp
Classification: Benign for Emery-Dreifuss muscular dystrophy 5, autosomal dominant. Last evaluated: 2026-01-21. Review status: criteria provided, single submitter. Criteria: Invitae Variant Classification Sherloc (09022015). Collection method: clinical testing. Allele origin: germline.

Illumina Laboratory Services, Illumina
Classification: Benign for Emery-Dreifuss muscular dystrophy 5, autosomal dominant. Last evaluated: 2018-01-12. Review status: criteria provided, single submitter. Criteria: ICSL Variant Classification Criteria 13 December 2019. Collection method: clinical testing. Allele origin: germline.
Comment: This variant was observed in the ICSL laboratory as part of a predisposition screen in an ostensibly healthy population. It had not been previously curated by ICSL or reported in the Human Gene Mutation Database (HGMD: prior to June 1st, 2018), and was therefore a candidate for classification through an automated scoring system. Utilizing variant allele frequency, disease prevalence and penetrance estimates, and inheritance mode, an automated score was calculated to assess if this variant is too frequent to cause the disease. Based on the score and internal cut-off values, a variant classified as benign is not then subjected to further curation. The score for this variant resulted in a classification of benign for this disease.

Athena Diagnostics
Classification: Benign. Last evaluated: 2017-05-04. Review status: criteria provided, single submitter. Criteria: Athena Diagnostics Criteria. Collection method: clinical testing. Allele origin: germline.

Breakthrough Genomics
Classification: Benign. Review status: criteria provided, single submitter. Criteria: ACMG Guidelines, 2015. Collection method: not provided. Allele origin: germline. Inheritance: Autosomal dominant inheritance. Affected: yes.

PreventionGenetics, part of Exact Sciences
Classification: Benign for SYNE2-related condition. Last evaluated: 2019-04-05. Review status: no assertion criteria provided. Collection method: clinical testing. Allele origin: germline. Not counted in ClinVar's aggregate classification.
Comment: This variant is classified as benign based on ACMG/AMP sequence variant interpretation guidelines (Richards et al. 2015 PMID: 25741868, with internal and published modifications).

NM_182914.3(SYNE2):c.10196G>A (p.Arg3399His)

Gene: SYNE2 (spectrin repeat containing nuclear envelope protein 2; plus strand). Cytogenetic location: 14q23.2.
Variant type: single nucleotide variant.
Coding change: c.10196G>A on transcript NM_182914.3 (MANE Select); coding-DNA position 10196, G replaced by A.
Protein change: p.Arg3399His; replaces arginine 3399 with histidine.
Molecular consequence: missense variant.
Genome position (GRCh38, 1-based): chr14:64,062,879, G>A. VCF-style: chr14-64062879-G-A. GRCh37 (hg19) VCF-style: chr14-64529597-G-A.
Other names: c.10196G>A, p.Arg3399His (NM_015180.6); short protein forms R3399H.
Identifiers: ClinVar variation 313551 (VCV000313551.18), dbSNP rs36039501, ClinGen allele CA7221440.